The following is an entry in ClinVar:

NM_000085.5(CLCNKB):c.498+1G>C

Genes: CLCNKB (chloride voltage-gated channel Kb; plus strand), LOC106501713 (CLCNKB recombination region; plus strand). Cytogenetic location: 1p36.13.
Variant type: single nucleotide variant.
Coding change: c.498+1G>C on transcript NM_000085.5 (MANE Select); the canonical splice donor site of the intron after coding-DNA position 498, G replaced by C.
Molecular consequence: splice donor variant.
Genome position (GRCh38, 1-based): chr1:16,048,045, G>C. VCF-style: chr1-16048045-G-C. GRCh37 (hg19) VCF-style: chr1-16374540-G-C.
Identifiers: ClinVar variation 2151863 (VCV002151863.4), dbSNP rs1200818995, ClinGen allele CA338634201.

ClinVar aggregate classification (germline): Pathogenic (1 of 4 stars; one submission).

Allele frequency attached by ClinVar (database versions not stated): TOPMed below 0.00001; gnomAD 0.00001.

Submission:

Labcorp Genetics (formerly Invitae), Labcorp
Classification: Pathogenic. Last evaluated: 2024-04-25. Review status: criteria provided, single submitter. Criteria: Invitae Variant Classification Sherloc (09022015). Collection method: clinical testing. Allele origin: germline.
Comment: This sequence change affects a donor splice site in intron 5 of the CLCNKB gene. It is expected to disrupt RNA splicing. Variants that disrupt the donor or acceptor splice site typically lead to a loss of protein function (PMID: 16199547), and loss-of-function variants in CLCNKB are known to be pathogenic (PMID: 24830959, 26920127, 28381550, 29254190). This variant is present in population databases (no rsID available, gnomAD 0.0009%). Disruption of this splice site has been observed in individual(s) with Bartter syndrome (PMID: 28381550, 31672324). In at least one individual the data is consistent with being in trans (on the opposite chromosome) from a pathogenic variant. ClinVar contains an entry for this variant (Variation ID: 2151863). Algorithms developed to predict the effect of sequence changes on RNA splicing suggest that this variant may disrupt the consensus splice site. For these reasons, this variant has been classified as Pathogenic.

Literature cited by the submitters: PubMed 16199547; PubMed 24830959; PubMed 26920127; PubMed 28381550; PubMed 29254190; PubMed 31672324.